The following is an entry in ClinVar:

NM_032888.4(COL27A1):c.5059G>A (p.Ala1687Thr)

Gene: COL27A1 (collagen type XXVII alpha 1 chain; plus strand). Cytogenetic location: 9q32.
Variant type: single nucleotide variant.
Coding change: c.5059G>A on transcript NM_032888.4 (MANE Select); coding-DNA position 5059, G replaced by A.
Protein change: p.Ala1687Thr; replaces alanine 1687 with threonine.
Molecular consequence: missense variant.
Genome position (GRCh38, 1-based): chr9:114,306,640, G>A. VCF-style: chr9-114306640-G-A. GRCh37 (hg19) VCF-style: chr9-117068920-G-A.
Other names: short protein forms A1687T.
Identifiers: ClinVar variation 1482800 (VCV001482800.4), dbSNP rs755869669, ClinGen allele CA5203269.

ClinVar aggregate classification (germline): Uncertain significance. Review status: criteria provided, multiple submitters, no conflicts (2 of 4 stars). 2 submissions from 2 submitters: Uncertain significance (2). Last evaluated 2022-05-03.

Allele frequency attached by ClinVar (database versions not stated): gnomAD exomes below 0.00001 and 0.00003; gnomAD 0.00001; ExAC 0.00002; TOPMed 0.00003.
gnomAD v4.1: 8 of 1,614,014 alleles (0.0005%); highest among the groups gnomAD compares: Admixed American, 0.005%; no homozygotes.

Submissions (2):

Blueprint Genetics
Classification: Uncertain significance. Last evaluated: 2022-05-03. Review status: criteria provided, single submitter. Criteria: ACMG Guidelines, 2015. Collection method: clinical testing. Allele origin: germline.

Labcorp Genetics (formerly Invitae), Labcorp
Classification: Uncertain significance. Last evaluated: 2022-01-13. Review status: criteria provided, single submitter. Criteria: Invitae Variant Classification Sherloc (09022015). Collection method: clinical testing. Allele origin: germline.
Comment: This sequence change replaces alanine, which is neutral and non-polar, with threonine, which is neutral and polar, at codon 1687 of the COL27A1 protein (p.Ala1687Thr). This variant is present in population databases (rs755869669, gnomAD 0.01%). This variant has not been reported in the literature in individuals affected with COL27A1-related conditions. Advanced modeling of protein sequence and biophysical properties (such as structural, functional, and spatial information, amino acid conservation, physicochemical variation, residue mobility, and thermodynamic stability) performed at Invitae indicates that this missense variant is not expected to disrupt COL27A1 protein function. In summary, the available evidence is currently insufficient to determine the role of this variant in disease. Therefore, it has been classified as a Variant of Uncertain Significance.